The following is an entry in ClinVar:

ClinVar aggregate classification (germline): Uncertain significance (1 of 4 stars; one submission).

Submission:

GeneDx
Classification: Uncertain significance. Last evaluated: 2024-09-10. Review status: criteria provided, single submitter. Criteria: GeneDx Variant Classification Process June 2021. Collection method: clinical testing. Allele origin: germline. Affected: yes.
Comment: Not observed at significant frequency in large population cohorts (gnomAD); In silico analysis supports that this missense variant has a deleterious effect on protein structure/function; Has not been previously published as pathogenic or benign to our knowledge; This variant is associated with the following publications: (PMID: 21376300, 21820098)

NM_001244008.2(KIF1A):c.971G>C (p.Arg324Thr)

Gene: KIF1A (kinesin family member 1A; minus strand). Cytogenetic location: 2q37.3.
Variant type: single nucleotide variant.
Coding change: c.971G>C on transcript NM_001244008.2 (MANE Select); coding-DNA position 971, G replaced by C.
Protein change: p.Arg324Thr; replaces arginine 324 with threonine.
Molecular consequence: missense variant.
Genome position (GRCh38, 1-based): chr2:240,774,249, C>G on the plus strand (G>C on the coding strand, the complement: KIF1A is on the minus strand). VCF-style: chr2-240774249-C-G. GRCh37 (hg19) VCF-style: chr2-241713666-C-G.
Other names: c.971G>C, p.Arg324Thr (NM_001320705.2, NM_001330289.2, NM_001330290.2 and 20 more transcripts); short protein forms R324T.
Identifiers: ClinVar variation 3767656 (VCV003767656.1).